The following is an entry in ClinVar:

NM_000503.6(EYA1):c.1684C>T (p.Gln562Ter)

Gene: EYA1 (EYA transcriptional coactivator and phosphatase 1; minus strand). Cytogenetic location: 8q13.3.
Variant type: single nucleotide variant.
Coding change: c.1684C>T on transcript NM_000503.6 (MANE Select); coding-DNA position 1684, C replaced by T.
Protein change: p.Gln562Ter; replaces glutamine 562 with a stop codon.
Molecular consequence: nonsense.
Genome position (GRCh38, 1-based): chr8:71,211,170, G>A on the plus strand (C>T on the coding strand, the complement: EYA1 is on the minus strand). VCF-style: chr8-71211170-G-A. GRCh37 (hg19) VCF-style: chr8-72123405-G-A.
Other names: c.1666C>T, p.Gln556Ter (NM_001288574.2, NM_172059.5); c.1318C>T, p.Gln440Ter (NM_001288575.2); c.1771C>T, p.Gln591Ter (NM_001370333.1); c.1684C>T, p.Gln562Ter (NM_001370334.1, NM_001370335.1, NM_172058.4); c.1663C>T, p.Gln555Ter (NM_001370336.1); short protein forms Q562*, Q555*, Q440*, Q556*, Q591*.
Identifiers: ClinVar variation 459253 (VCV000459253.48), dbSNP rs1481254965, ClinGen allele CA371465837.

ClinVar aggregate classification (germline): Pathogenic (1 of 4 stars; one submission).

Conditions:
Melnick-Fraser syndrome (BOR). Also called: Branchiootorenal syndrome; Branchiootorenal Syndrome (BORS); Branchio-oto-renal syndrome. Identifiers: Orphanet 107, MedGen C0265234, MONDO:0007029.

Submission:

Labcorp Genetics (formerly Invitae), Labcorp
Classification: Pathogenic for Melnick-Fraser syndrome. Last evaluated: 2016-09-27. Review status: criteria provided, single submitter. Criteria: Invitae Variant Classification Sherloc (09022015). Collection method: clinical testing. Allele origin: germline.
Comment: For these reasons, this variant has been classified as Pathogenic. This variant is not present in population databases (ExAC no frequency). This sequence change results in a premature translational stop signal in the penultimate exon of the EYA1 mRNA at codon 562 (p.Gln562*). While this is not anticipated to result in nonsense-mediated decay, it is expected to create a truncated EYA1 protein.